The following is an entry in ClinVar:

ClinVar aggregate classification (germline): Uncertain significance (1 of 4 stars; one submission).

Submission:

Labcorp Genetics (formerly Invitae), Labcorp
Classification: Uncertain significance. Last evaluated: 2025-04-29. Review status: criteria provided, single submitter. Criteria: Invitae Variant Classification Sherloc (09022015). Collection method: clinical testing. Allele origin: germline.
Comment: This sequence change replaces methionine, which is neutral and non-polar, with isoleucine, which is neutral and non-polar, at codon 6 of the GNA11 protein (p.Met6Ile). This variant is not present in population databases (gnomAD no frequency). This variant has not been reported in the literature in individuals affected with GNA11-related conditions. An algorithm developed to predict the effect of missense changes on protein structure and function outputs the following: PolyPhen-2: "Benign". The isoleucine amino acid residue is found in multiple mammalian species, which suggests that this missense change does not adversely affect protein function. In summary, the available evidence is currently insufficient to determine the role of this variant in disease. Therefore, it has been classified as a Variant of Uncertain Significance.

NM_002067.5(GNA11):c.18G>A (p.Met6Ile)

Gene: GNA11 (G protein subunit alpha 11; plus strand). Cytogenetic location: 19p13.3.
Variant type: single nucleotide variant.
Coding change: c.18G>A on transcript NM_002067.5 (MANE Select); coding-DNA position 18, G replaced by A.
Protein change: p.Met6Ile; replaces methionine 6 with isoleucine.
Molecular consequence: missense variant.
Genome position (GRCh38, 1-based): chr19:3,094,669, G>A. VCF-style: chr19-3094669-G-A. GRCh37 (hg19) VCF-style: chr19-3094667-G-A.
Other names: short protein forms M6I.
Identifiers: ClinVar variation 4781349 (VCV004781349.1).